The following is an entry in ClinVar:

NM_002497.4(NEK2):c.892G>T (p.Asp298Tyr)

Gene: NEK2 (NIMA related kinase 2; minus strand). Cytogenetic location: 1q32.3.
Variant type: single nucleotide variant.
Coding change: c.892G>T on transcript NM_002497.4 (MANE Select); coding-DNA position 892, G replaced by T.
Protein change: p.Asp298Tyr; replaces aspartic acid 298 with tyrosine.
Molecular consequence: missense variant.
Genome position (GRCh38, 1-based): chr1:211,669,206, C>A on the plus strand (G>T on the coding strand, the complement: NEK2 is on the minus strand). VCF-style: chr1-211669206-C-A. GRCh37 (hg19) VCF-style: chr1-211842548-C-A.
Other names: c.892G>T (NM_002497.3); c.892G>T, p.Asp298Tyr (NM_001204182.2, NM_001204183.2); short protein forms D298Y.
Identifiers: ClinVar variation 2170220 (VCV002170220.5), dbSNP rs369354793, ClinGen allele CA1381570.

ClinVar aggregate classification (germline): Uncertain significance. Review status: criteria provided, multiple submitters, no conflicts (2 of 4 stars). 2 submissions from 2 submitters: Uncertain significance (2). Last evaluated 2025-12-02.

Allele frequency attached by ClinVar (database versions not stated): ExAC 0.00002; TOPMed 0.00003; gnomAD 0.00004; ESP Exome Variant Server 0.00008; 1000 Genomes Project 30x 0.00016; 1000 Genomes Project 0.00020.

Submissions (2):

Ambry Genetics
Classification: Uncertain significance. Last evaluated: 2025-12-02. Review status: criteria provided, single submitter. Criteria: Ambry Variant Classification Scheme 2023. Collection method: clinical testing. Allele origin: germline.

Labcorp Genetics (formerly Invitae), Labcorp
Classification: Uncertain significance. Last evaluated: 2024-08-27. Review status: criteria provided, single submitter. Criteria: Invitae Variant Classification Sherloc (09022015). Collection method: clinical testing. Allele origin: germline.
Comment: This sequence change replaces aspartic acid, which is acidic and polar, with tyrosine, which is neutral and polar, at codon 298 of the NEK2 protein (p.Asp298Tyr). This variant is present in population databases (rs369354793, gnomAD 0.01%). This variant has not been reported in the literature in individuals affected with NEK2-related conditions. ClinVar contains an entry for this variant (Variation ID: 2170220). An algorithm developed to predict the effect of missense changes on protein structure and function (PolyPhen-2) suggests that this variant is likely to be tolerated. In summary, the available evidence is currently insufficient to determine the role of this variant in disease. Therefore, it has been classified as a Variant of Uncertain Significance.